The following is an entry in ClinVar:

ClinVar aggregate classification (germline): Uncertain significance. Review status: criteria provided, multiple submitters, no conflicts (2 of 4 stars). 3 submissions from 3 submitters: Uncertain significance (3). Last evaluated 2024-11-21.

Allele frequency attached by ClinVar (database versions not stated): ESP Exome Variant Server 0.00008.

Submissions (3):

Blueprint Genetics
Classification: Uncertain significance. Last evaluated: 2024-11-21. Review status: criteria provided, single submitter. Criteria: ACMG Guidelines, 2015. Collection method: clinical testing. Allele origin: germline.

Ambry Genetics
Classification: Uncertain significance. Last evaluated: 2024-03-31. Review status: criteria provided, single submitter. Criteria: Ambry Variant Classification Scheme 2023. Collection method: clinical testing. Allele origin: germline.

Labcorp Genetics (formerly Invitae), Labcorp
Classification: Uncertain significance. Last evaluated: 2022-03-19. Review status: criteria provided, single submitter. Criteria: Invitae Variant Classification Sherloc (09022015). Collection method: clinical testing. Allele origin: germline.
Comment: In summary, the available evidence is currently insufficient to determine the role of this variant in disease. Therefore, it has been classified as a Variant of Uncertain Significance. Algorithms developed to predict the effect of missense changes on protein structure and function are either unavailable or do not agree on the potential impact of this missense change (SIFT: "Not Available"; PolyPhen-2: "Possibly Damaging"; Align-GVGD: "Not Available"). ClinVar contains an entry for this variant (Variation ID: 1057762). This variant has not been reported in the literature in individuals affected with CEP250-related conditions. This variant is present in population databases (rs369255727, gnomAD 0.002%). This sequence change replaces arginine, which is basic and polar, with serine, which is neutral and polar, at codon 2412 of the CEP250 protein (p.Arg2412Ser).

NM_007186.6(CEP250):c.7234C>A (p.Arg2412Ser)

Gene: CEP250 (centrosomal protein 250; plus strand). Cytogenetic location: 20q11.22.
Variant type: single nucleotide variant.
Coding change: c.7234C>A on transcript NM_007186.6 (MANE Select); coding-DNA position 7234, C replaced by A.
Protein change: p.Arg2412Ser; replaces arginine 2412 with serine.
Molecular consequence: missense variant.
Genome position (GRCh38, 1-based): chr20:35,511,531, C>A. VCF-style: chr20-35511531-C-A. GRCh37 (hg19) VCF-style: chr20-34099360-C-A.
Other names: c.5338C>A, p.Arg1780Ser (NM_001318219.1); c.7234C>A (NM_007186.3); short protein forms R1780S, R2412S.
Identifiers: ClinVar variation 1057762 (VCV001057762.11), dbSNP rs369255727, ClinGen allele CA314165826.
Genomic context (GRCh38, chr20:35,511,531, plus strand): 5'-TCACACTCACTTCTTGCCGTGGCCCAGGCCCCTGAGGCCACTGTCCTGGAGGCAGAGACC[C>A]GCAGGCTGGATGAGTCCCTGACTCAAAGTCTGACATCCCCAGGGCCAGTCCTGCTACACC-3'
Protein context (NP_009117.2, residues 2402-2422): PEATVLEAET[Arg2412Ser]RLDESLTQSL